The following is an entry in ClinVar:

ClinVar aggregate classification (germline): Benign (1 of 4 stars; one submission).

Allele frequency attached by ClinVar (database versions not stated): 1000 Genomes Project 30x 0.96830; 1000 Genomes Project 0.97045; TOPMed 0.97064.

Submission:

GeneDx
Classification: Benign. Last evaluated: 2018-06-14. Review status: criteria provided, single submitter. Criteria: GeneDx Variant Classification (06012015). Collection method: clinical testing. Allele origin: germline. Affected: yes.
Comment: This variant is considered likely benign or benign based on one or more of the following criteria: it is a conservative change, it occurs at a poorly conserved position in the protein, it is predicted to be benign by multiple in silico algorithms, and/or has population frequency not consistent with disease.

NM_001130438.3(SPTAN1):c.6762+288T>G

Gene: SPTAN1 (spectrin alpha, non-erythrocytic 1; plus strand). Cytogenetic location: 9q34.11.
Variant type: single nucleotide variant.
Coding change: c.6762+288T>G on transcript NM_001130438.3 (MANE Select); 288 bases into the intron after coding-DNA position 6762, T replaced by G.
Molecular consequence: intron variant.
Genome position (GRCh38, 1-based): chr9:128,630,663, T>G. VCF-style: chr9-128630663-T-G. GRCh37 (hg19) VCF-style: chr9-131392942-T-G.
Other names: c.6825+288T>G (NM_001363759.2); c.6747+288T>G (NM_003127.4); c.6702+288T>G (NM_001363765.2); c.6687+288T>G (NM_001195532.2).
Identifiers: ClinVar variation 680796 (VCV000680796.1), dbSNP rs7852794, ClinGen allele CA200410868.